The following is an entry in ClinVar:

ClinVar aggregate classification (germline): Uncertain significance (1 of 4 stars; one submission).

Conditions:
Atrial standstill 1 (ATRST1). Also called: ATRIAL CARDIOMYOPATHY WITH HEART BLOCK; CARDIOMYOPATHY, FAMILIAL, WITH CONDUCTION DISTURBANCE; Atrial standstill, digenic (GJA5/SCN5A). Identifiers: Orphanet 1344, MedGen C4551959, MONDO:0007171, OMIM 108770.
Atrial fibrillation, familial, 11 (ATFB11). Identifiers: MedGen C3279693, MONDO:0013544, OMIM 614049.

Allele frequency attached by ClinVar (database versions not stated): gnomAD exomes below 0.00001; TOPMed below 0.00001; ExAC 0.00001; gnomAD 0.00001.
gnomAD v4.1: 2 of 1,614,036 alleles (0.00012%); highest among the groups gnomAD compares: Non-Finnish European, 0.00017%; no homozygotes.

Submission:

Labcorp Genetics (formerly Invitae), Labcorp
Classification: Uncertain significance for Atrial fibrillation, familial, 11; Atrial standstill 1. Last evaluated: 2022-09-01. Review status: criteria provided, single submitter. Criteria: Invitae Variant Classification Sherloc (09022015). Collection method: clinical testing. Allele origin: germline.
Comment: Algorithms developed to predict the effect of missense changes on protein structure and function (SIFT, PolyPhen-2, Align-GVGD) all suggest that this variant is likely to be disruptive. This variant has not been reported in the literature in individuals affected with GJA5-related conditions. This variant is present in population databases (rs782415192, gnomAD 0.0009%). This sequence change replaces proline, which is neutral and non-polar, with arginine, which is basic and polar, at codon 189 of the GJA5 protein (p.Pro189Arg). In summary, the available evidence is currently insufficient to determine the role of this variant in disease. Therefore, it has been classified as a Variant of Uncertain Significance.

NM_181703.4(GJA5):c.566C>G (p.Pro189Arg)

Genes: GJA5 (gap junction protein alpha 5; minus strand), LOC122128420 (Sharpr-MPRA regulatory region 3144; plus strand). Cytogenetic location: 1q21.2.
Variant type: single nucleotide variant.
Coding change: c.566C>G on transcript NM_181703.4 (MANE Select); coding-DNA position 566, C replaced by G.
Protein change: p.Pro189Arg; replaces proline 189 with arginine.
Molecular consequence: missense variant.
Genome position (GRCh38, 1-based): chr1:147,758,673, G>C on the plus strand (C>G on the coding strand, the complement: GJA5 is on the minus strand). VCF-style: chr1-147758673-G-C. GRCh37 (hg19) VCF-style: chr1-147230781-G-C.
Other names: c.566C>G, p.Pro189Arg (NM_005266.7); short protein forms P189R.
Identifiers: ClinVar variation 2070062 (VCV002070062.4), dbSNP rs782415192, ClinGen allele CA1065742.